The following is an entry in ClinVar:

ClinVar aggregate classification (germline): Pathogenic (1 of 4 stars; one submission).

Submission:

Labcorp Genetics (formerly Invitae), Labcorp
Classification: Pathogenic. Last evaluated: 2023-04-23. Review status: criteria provided, single submitter. Criteria: Invitae Variant Classification Sherloc (09022015). Collection method: clinical testing. Allele origin: germline.
Comment: This sequence change creates a premature translational stop signal (p.Gly185*) in the CACNA1F gene. It is expected to result in an absent or disrupted protein product. Loss-of-function variants in CACNA1F are known to be pathogenic (PMID: 9662399, 11281458, 17525176, 22194652, 24124559, 26992781). This variant is not present in population databases (gnomAD no frequency). This variant has not been reported in the literature in individuals affected with CACNA1F-related conditions. For these reasons, this variant has been classified as Pathogenic.

Literature cited by the submitters: PubMed 9662399; PubMed 11281458; PubMed 17525176; PubMed 22194652; PubMed 24124559; PubMed 26992781.

NM_001256789.3(CACNA1F):c.553G>T (p.Gly185Ter)

Gene: CACNA1F (calcium voltage-gated channel subunit alpha1 F; minus strand). Cytogenetic location: Xp11.23.
Variant type: single nucleotide variant.
Coding change: c.553G>T on transcript NM_001256789.3 (MANE Select); coding-DNA position 553, G replaced by T.
Protein change: p.Gly185Ter; replaces glycine 185 with a stop codon.
Molecular consequence: nonsense.
Genome position (GRCh38, 1-based): chrX:49,230,578, C>A on the plus strand (G>T on the coding strand, the complement: CACNA1F is on the minus strand). VCF-style: chrX-49230578-C-A. GRCh37 (hg19) VCF-style: chrX-49087040-C-A.
Other names: c.358G>T, p.Gly120Ter (NM_001256790.3); c.553G>T, p.Gly185Ter (NM_005183.4); short protein forms G120*, G185*.
Identifiers: ClinVar variation 2858577 (VCV002858577.3), dbSNP rs2519138293, ClinGen allele CA412925550.
Genomic context (GRCh38, chrX:49,230,578, plus strand): 5'-ATGCCTTCACATCGAAGCCTCCTGGCTTTCCCCCGGTGTGCGGGGCGTCGCCTGGCCGTC[C>A]GGGGCCCTGCTCCAGCAGAACGCTGAACAGCCTGATGGGGGAGCACCGGGCAGGGAGGCG-3'